The following is an entry in ClinVar:

ClinVar aggregate classification (germline): Pathogenic (1 of 4 stars; one submission).

Conditions:
Mucopolysaccharidosis, MPS-II (MPS2). Also called: Hunter Syndrome; IDURONATE 2-SULFATASE DEFICIENCY; Mucopolysaccharidosis Type II; Mucopolysaccharidosis type 2; Attenuated MPS (subtype; formerly known as mild MPS II); Severe MPS II. Identifiers: Orphanet 580, Orphanet 79388, MedGen C0026705, MONDO:0010674, OMIM 309900.

Submission:

Laboratory of Diagnosis and Therapy of Lysosomal Disorders, University of Padova
Classification: Pathogenic for Mucopolysaccharidosis, MPS-II. Last evaluated: 2024-06-07. Review status: criteria provided, single submitter. Criteria: ACMG Guidelines, 2015. Collection method: literature only. Allele origin: germline. Affected: yes. Observed: 1 variant allele.
Comment: Located in a mutational hot spot and/or critical functional domain (PM1_Moderate), Absent from controls (or at low frequency) in gnomAD database (PM2_Moderate), Missense variant in a gene with a low rate of benign missense variation (PP2_Supporting), Multiple lines of computational evidence support a deleterious effect (PP3_Supporting), Patient’s phenotype or family history highly specific for the disease (PP4_Strong)

Classification method: ACMG Guidelines [PMID:25741868] with modifications

Literature cited by the submitters: PubMed 33960103.

NM_000202.8(IDS):c.1001A>C (p.Asp334Ala)

Genes: IDS (iduronate 2-sulfatase; minus strand), LOC106050102 (IDS recombination region; plus strand). Cytogenetic location: Xq28.
Variant type: single nucleotide variant.
Coding change: c.1001A>C on transcript NM_000202.8 (MANE Select); coding-DNA position 1001, A replaced by C.
Protein change: p.Asp334Ala; replaces aspartic acid 334 with alanine.
Molecular consequence: missense variant. On other transcripts: non-coding transcript variant (1).
Genome position (GRCh38, 1-based): chrX:149,490,319, T>G on the plus strand (A>C on the coding strand, the complement: IDS is on the minus strand). VCF-style: chrX-149490319-T-G. GRCh37 (hg19) VCF-style: chrX-148571850-T-G.
Other names: c.731A>C, p.Asp244Ala (NM_001166550.4); c.1001A>C, p.Asp334Ala (NM_006123.5); short protein forms D244A, D334A.
Identifiers: ClinVar variation 3255900 (VCV003255900.2).